The following is an entry in ClinVar:

ClinVar aggregate classification (germline): Uncertain significance (1 of 4 stars; one submission).

Conditions:
Agammaglobulinemia 4, autosomal recessive (AGM4). Also called: AGAMMAGLOBULINEMIA, AUTOSOMAL RECESSIVE, DUE TO BLNK DEFECT; B cell linker protein deficiency. Identifiers: MedGen C3150752, MONDO:0013289, OMIM 613502.

Allele frequency attached by ClinVar (database versions not stated): gnomAD exomes below 0.00001 and 0.00003; gnomAD 0.00001; TOPMed 0.00002.
gnomAD v4.1: 40 of 1,614,082 alleles (0.0025%); highest among the groups gnomAD compares: Non-Finnish European, 0.0034%; no homozygotes.

Submission:

Labcorp Genetics (formerly Invitae), Labcorp
Classification: Uncertain significance for Agammaglobulinemia 4, autosomal recessive. Last evaluated: 2019-11-18. Review status: criteria provided, single submitter. Criteria: Invitae Variant Classification Sherloc (09022015). Collection method: clinical testing. Allele origin: germline.
Comment: Algorithms developed to predict the effect of missense changes on protein structure and function are either unavailable or do not agree on the potential impact of this missense change (SIFT: "Tolerated"; PolyPhen-2: "Possibly Damaging"; Align-GVGD: "Class C0"). In summary, the available evidence is currently insufficient to determine the role of this variant in disease. Therefore, it has been classified as a Variant of Uncertain Significance. Nucleotide substitutions within the consensus splice site are a relatively common cause of aberrant splicing (PMID: 17576681, 9536098). This variant has not been reported in the literature in individuals with BLNK-related conditions. This sequence change replaces glycine with glutamic acid at codon 249 of the BLNK protein (p.Gly249Glu). The glycine residue is moderately conserved and there is a moderate physicochemical difference between glycine and glutamic acid. This variant also falls at the last nucleotide of exon 9 of the BLNK coding sequence, which is part of the consensus splice site for this exon. This variant is not present in population databases (ExAC no frequency).

Literature cited by the submitters: PubMed 17576681; PubMed 9536098.

NM_013314.4(BLNK):c.746G>A (p.Gly249Glu)

Gene: BLNK (B cell linker; minus strand). Cytogenetic location: 10q24.1.
Variant type: single nucleotide variant.
Coding change: c.746G>A on transcript NM_013314.4 (MANE Select); coding-DNA position 746, G replaced by A.
Protein change: p.Gly249Glu; replaces glycine 249 with glutamic acid.
Molecular consequence: missense variant. On other transcripts: non-coding transcript variant (3).
Genome position (GRCh38, 1-based): chr10:96,209,838, C>T on the plus strand (G>A on the coding strand, the complement: BLNK is on the minus strand). VCF-style: chr10-96209838-C-T. GRCh37 (hg19) VCF-style: chr10-97969594-C-T.
Other names: c.677G>A, p.Gly226Glu (NM_001114094.2, NM_001258441.2); c.746G>A, p.Gly249Glu (NM_001258440.2); c.431G>A, p.Gly144Glu (NM_001258442.2); short protein forms G226E, G249E, G144E.
Identifiers: ClinVar variation 846917 (VCV000846917.9), dbSNP rs782290327, ClinGen allele CA212519259.